The following is an entry in ClinVar:

ClinVar aggregate classification (germline): Uncertain significance (1 of 4 stars; one submission).

Conditions:
Dilated cardiomyopathy 1O (CMD1O). Also called: CARDIOMYOPATHY, DILATED, WITH VENTRICULAR TACHYCARDIA. Identifiers: Orphanet 154, MedGen C1837839, MONDO:0012062, OMIM 608569.

Allele frequency attached by ClinVar (database versions not stated): TOPMed below 0.00001.
gnomAD v4.1: 11 of 1,614,036 alleles (0.00068%); highest among the groups gnomAD compares: African/African-American, 0.0013%; no homozygotes.

Submission:

Labcorp Genetics (formerly Invitae), Labcorp
Classification: Uncertain significance for Dilated cardiomyopathy 1O. Last evaluated: 2022-04-12. Review status: criteria provided, single submitter. Criteria: Invitae Variant Classification Sherloc (09022015). Collection method: clinical testing. Allele origin: germline.
Comment: Algorithms developed to predict the effect of missense changes on protein structure and function (SIFT, PolyPhen-2, Align-GVGD) all suggest that this variant is likely to be tolerated. In summary, the available evidence is currently insufficient to determine the role of this variant in disease. Therefore, it has been classified as a Variant of Uncertain Significance. This variant has not been reported in the literature in individuals affected with ABCC9-related conditions. This variant is not present in population databases (gnomAD no frequency). This sequence change replaces arginine, which is basic and polar, with glutamine, which is neutral and polar, at codon 97 of the ABCC9 protein (p.Arg97Gln).

NM_020297.4(ABCC9):c.290G>A (p.Arg97Gln)

Gene: ABCC9 (ATP binding cassette subfamily C member 9; minus strand). Cytogenetic location: 12p12.1.
Variant type: single nucleotide variant.
Coding change: c.290G>A on transcript NM_020297.4 (MANE Select); coding-DNA position 290, G replaced by A.
Protein change: p.Arg97Gln; replaces arginine 97 with glutamine.
Molecular consequence: missense variant. On other transcripts: 5 prime UTR variant (1).
Genome position (GRCh38, 1-based): chr12:21,926,058, C>T on the plus strand (G>A on the coding strand, the complement: ABCC9 is on the minus strand). VCF-style: chr12-21926058-C-T. GRCh37 (hg19) VCF-style: chr12-22078992-C-T.
Other names: c.290G>A, p.Arg97Gln (NM_001377273.1, NM_005691.4); c.-165G>A (NM_001377274.1); short protein forms R97Q.
Identifiers: ClinVar variation 1956717 (VCV001956717.5), dbSNP rs778951072, ClinGen allele CA233620238.